The following is an entry in ClinVar:

ClinVar aggregate classification (germline): Pathogenic (1 of 4 stars; one submission).

Conditions:
Developmental and epileptic encephalopathy, 9 (DEE9). Also called: Early infantile epileptic encephalopathy 9; EPILEPSY, FEMALE-RESTRICTED, WITH MENTAL RETARDATION; JUBERG-HELLMAN SYNDROME; PCDH19-Related X-Linked Female-Limited Epilepsy with Mental Retardation. Identifiers: Orphanet 101039, Orphanet 2076, MedGen C1848137, MONDO:0010246, OMIM 300088. Disease mechanism: loss of function.

Submission:

Labcorp Genetics (formerly Invitae), Labcorp
Classification: Pathogenic for Developmental and epileptic encephalopathy, 9. Last evaluated: 2024-01-19. Review status: criteria provided, single submitter. Criteria: Invitae Variant Classification Sherloc (09022015). Collection method: clinical testing. Allele origin: germline.
Comment: This sequence change creates a premature translational stop signal (p.Pro494Alafs*27) in the PCDH19 gene. It is expected to result in an absent or disrupted protein product. Loss-of-function variants in PCDH19 are known to be pathogenic (PMID: 21053371). This variant is not present in population databases (gnomAD no frequency). This variant has not been reported in the literature in individuals affected with PCDH19-related conditions. ClinVar contains an entry for this variant (Variation ID: 950366). For these reasons, this variant has been classified as Pathogenic.

Literature cited by the submitters: PubMed 21053371.

NM_001184880.2(PCDH19):c.1479_1483del (p.Pro494fs)

Gene: PCDH19 (protocadherin 19; minus strand). Cytogenetic location: Xq22.1.
Variant type: Deletion.
Coding change: c.1479_1483del on transcript NM_001184880.2 (MANE Select); coding-DNA positions 1479 to 1483, 5 bases deleted (GCCGT; older notation c.1479_1483delGCCGT).
Protein change: p.Pro494fs; shifts the reading frame from proline 494.
Molecular consequence: frameshift variant.
Genome position (GRCh38, 1-based): chrX:100,407,115-100,407,119, ACGGC deleted on the plus strand (GCCGT on the coding strand, the reverse complement: PCDH19 is on the minus strand); deleting any 5 consecutive bases within chrX:100,407,115-100,407,122 gives the same sequence; the c. name uses the placement nearest the transcript's 3' end. VCF-style (leftmost placement, unchanged base first): chrX-100407114-GACGGC-G. GRCh37 (hg19) VCF-style: chrX-99662112-GACGGC-G.
Other names: c.1479_1483del, p.Pro494fs (NM_001105243.2, NM_020766.3); short protein forms P494fs.
Identifiers: ClinVar variation 950366 (VCV000950366.8), dbSNP rs1928383528, ClinGen allele CA1139667040.